The following is an entry in ClinVar:

ClinVar aggregate classification (germline): Uncertain significance (1 of 4 stars; one submission).

Submission:

Labcorp Genetics (formerly Invitae), Labcorp
Classification: Uncertain significance. Last evaluated: 2025-08-03. Review status: criteria provided, single submitter. Criteria: Invitae Variant Classification Sherloc (09022015). Collection method: clinical testing. Allele origin: germline.
Comment: This sequence change replaces phenylalanine, which is neutral and non-polar, with cysteine, which is neutral and slightly polar, at codon 295 of the THBD protein (p.Phe295Cys). This variant is not present in population databases (gnomAD no frequency). This variant has not been reported in the literature in individuals affected with THBD-related conditions. Invitae Evidence Modeling of protein sequence and biophysical properties (such as structural, functional, and spatial information, amino acid conservation, physicochemical variation, residue mobility, and thermodynamic stability) indicates that this missense variant is expected to disrupt THBD protein function with a positive predictive value of 80%. In summary, the available evidence is currently insufficient to determine the role of this variant in disease. Therefore, it has been classified as a Variant of Uncertain Significance.

NM_000361.3(THBD):c.884T>G (p.Phe295Cys)

Gene: THBD (thrombomodulin; minus strand). Cytogenetic location: 20p11.21.
Variant type: single nucleotide variant.
Coding change: c.884T>G on transcript NM_000361.3 (MANE Select); coding-DNA position 884, T replaced by G.
Protein change: p.Phe295Cys; replaces phenylalanine 295 with cysteine.
Molecular consequence: missense variant.
Genome position (GRCh38, 1-based): chr20:23,048,621, A>C on the plus strand (T>G on the coding strand, the complement: THBD is on the minus strand). VCF-style: chr20-23048621-A-C. GRCh37 (hg19) VCF-style: chr20-23029258-A-C.
Other names: short protein forms F295C.
Identifiers: ClinVar variation 4797373 (VCV004797373.1).